The following is an entry in ClinVar:

NM_032737.4(LMNB2):c.694G>A (p.Glu232Lys)

Gene: LMNB2 (lamin B2; minus strand). Cytogenetic location: 19p13.3.
Variant type: single nucleotide variant.
Coding change: c.694G>A on transcript NM_032737.4 (MANE Select); coding-DNA position 694, G replaced by A.
Protein change: p.Glu232Lys; replaces glutamic acid 232 with lysine.
Molecular consequence: missense variant.
Genome position (GRCh38, 1-based): chr19:2,435,162, C>T on the plus strand (G>A on the coding strand, the complement: LMNB2 is on the minus strand). VCF-style: chr19-2435162-C-T. GRCh37 (hg19) VCF-style: chr19-2435160-C-T.
Other names: c.634G>A (NM_032737.2); short protein forms E232K.
Identifiers: ClinVar variation 1521189 (VCV001521189.9), dbSNP rs1971807508, ClinGen allele CA403255430.

ClinVar aggregate classification (germline): Uncertain significance. Review status: criteria provided, multiple submitters, no conflicts (2 of 4 stars). 2 submissions from 2 submitters: Uncertain significance (2). Last evaluated 2021-06-11.

Conditions:
Progressive myoclonic epilepsy type 9. Identifiers: Orphanet 457265, MedGen C4225289, MONDO:0014685, OMIM 616540.
Lipodystrophy, partial, acquired, susceptibility to (APLD). Also called: APLD, SUSCEPTIBILITY TO. Identifiers: MedGen C3887501, MONDO:0100476, OMIM 608709.

Allele frequency attached by ClinVar (database versions not stated): gnomAD exomes below 0.00001; TOPMed below 0.00001.
gnomAD v4.1: 3 of 1,602,376 alleles (0.00019%); highest among the groups gnomAD compares: Non-Finnish European, 0.00025%; no homozygotes.

Submissions (2):

Ambry Genetics
Classification: Uncertain significance. Last evaluated: 2021-06-11. Review status: criteria provided, single submitter. Criteria: Ambry Variant Classification Scheme 2023. Collection method: clinical testing. Allele origin: germline.

Labcorp Genetics (formerly Invitae), Labcorp
Classification: Uncertain significance for Progressive myoclonic epilepsy type 9; Lipodystrophy, partial, acquired, susceptibility to. Last evaluated: 2021-04-02. Review status: criteria provided, single submitter. Criteria: Invitae Variant Classification Sherloc (09022015). Collection method: clinical testing. Allele origin: germline.
Comment: Algorithms developed to predict the effect of missense changes on protein structure and function are either unavailable or do not agree on the potential impact of this missense change (SIFT: "Deleterious"; PolyPhen-2: "Benign"; Align-GVGD: "Class C55"). This variant has not been reported in the literature in individuals with LMNB2-related conditions. This variant is not present in population databases (ExAC no frequency). This sequence change replaces glutamic acid with lysine at codon 232 of the LMNB2 protein (p.Glu232Lys). The glutamic acid residue is highly conserved and there is a small physicochemical difference between glutamic acid and lysine. In summary, the available evidence is currently insufficient to determine the role of this variant in disease. Therefore, it has been classified as a Variant of Uncertain Significance.